The following is an entry in ClinVar:

NM_014244.5(ADAMTS2):c.472G>A (p.Val158Ile)

Gene: ADAMTS2 (ADAM metallopeptidase with thrombospondin type 1 motif 2; minus strand). Cytogenetic location: 5q35.3.
Variant type: single nucleotide variant.
Coding change: c.472G>A on transcript NM_014244.5 (MANE Select); coding-DNA position 472, G replaced by A.
Protein change: p.Val158Ile; replaces valine 158 with isoleucine.
Molecular consequence: missense variant.
Genome position (GRCh38, 1-based): chr5:179,343,829, C>T on the plus strand (G>A on the coding strand, the complement: ADAMTS2 is on the minus strand). VCF-style: chr5-179343829-C-T. GRCh37 (hg19) VCF-style: chr5-178770830-C-T.
Other names: c.472G>A, p.Val158Ile (NM_021599.4); short protein forms V158I.
Identifiers: ClinVar variation 3896145 (VCV003896145.2).

ClinVar aggregate classification (germline): Uncertain significance (1 of 4 stars; one submission).

gnomAD v4.1: 1 of 1,609,066 alleles (0.000062%); highest among the groups gnomAD compares: Non-Finnish European, 0.000085%; no homozygotes.

Submission:

Women's Health and Genetics/Laboratory Corporation of America, LabCorp
Classification: Uncertain significance. Last evaluated: 2025-04-21. Review status: criteria provided, single submitter. Criteria: LabCorp Variant Classification Summary - May 2015. Collection method: clinical testing. Allele origin: germline.
Comment: Variant summary: ADAMTS2 c.472G>A (p.Val158Ile) results in a conservative amino acid change in the encoded protein sequence. Four of five in-silico tools predict a benign effect of the variant on protein function. The variant was absent in 230702 control chromosomes (gnomAD). The available data on variant occurrences in the general population are insufficient to allow any conclusion about variant significance. To our knowledge, no occurrence of c.472G>A in individuals affected with Ehlers-Danlos syndrome, dermatosparaxis type and no experimental evidence demonstrating its impact on protein function have been reported. No submitters have cited clinical-significance assessments for this variant to ClinVar. Based on the evidence outlined above, the variant was classified as uncertain significance.